The following is an entry in ClinVar:

NM_000178.3(GSS):c.1113_1132del20

Gene: GSS (glutathione synthetase; minus strand). Cytogenetic location: 20q11.22.
Variant type: Deletion.
Coding change: c.1113_1132del20 on transcript NM_000178.3; coding-DNA positions 1113 to 1132, 20 bases deleted (TAACAACCTATATGGGGAGG).
Genome position (GRCh38, 1-based): chr20:34,929,570-34,929,589, CCTCCCCATATAGGTTGTTA deleted on the plus strand (TAACAACCTATATGGGGAGG on the coding strand, the reverse complement: GSS is on the minus strand); deleting any 20 consecutive bases within chr20:34,929,570-34,929,592 gives the same sequence; the c. name uses the placement nearest the transcript's 3' end. VCF-style (leftmost placement, unchanged base first): chr20-34929569-TCCTCCCCATATAGGTTGTTA-T. GRCh37 (hg19) VCF-style: chr20-33517372-TCCTCCCCATATAGGTTGTTA-T.
Identifiers: ClinVar variation 1677096 (VCV001677096.3), dbSNP rs2147120336, ClinGen allele CA2573157003.

ClinVar aggregate classification (germline): Likely pathogenic (1 of 4 stars; one submission).

Conditions:
Inherited glutathione synthetase deficiency. Identifiers: Orphanet 32, MedGen C5979912, MONDO:0017909.

Submission:

Women's Health and Genetics/Laboratory Corporation of America, LabCorp
Classification: Likely pathogenic for Glutathione synthetase deficiency with 5-oxoprolinuria. Last evaluated: 2022-03-02. Review status: criteria provided, single submitter. Criteria: LabCorp Variant Classification Summary - May 2015. Collection method: clinical testing. Allele origin: germline.
Comment: Variant summary: GSS c.1113_1132del20 (p.Asn373GlyfsX11) results in a premature termination codon, predicted to cause a truncation of the encoded protein or absence of the protein due to nonsense mediated decay. A truncating variant downstream of the variant has been reported in HGMD in association with Glutathione synthetase deficiency. The variant was absent in 251450 control chromosomes (gnomAD). To our knowledge, no occurrence of c.1113_1132del20 in individuals affected with Glutathione Synthetase Deficiency and no experimental evidence demonstrating its impact on protein function have been reported. No clinical diagnostic laboratories have submitted clinical-significance assessments for this variant to ClinVar after 2014. Based on the evidence outlined above, the variant was classified as likely pathogenic.